The following is an entry in ClinVar:

ClinVar aggregate classification (germline): Conflicting classifications of pathogenicity. Review status: criteria provided, conflicting classifications (1 of 4 stars). 2 submissions from 2 submitters: Uncertain significance (1); Likely benign (1). Last evaluated 2021-08-31.

Conditions:
Hereditary cancer-predisposing syndrome. Also called: Neoplastic Syndromes, Hereditary; Tumor predisposition; Hereditary Cancer Syndrome; Hereditary neoplastic syndrome. Identifiers: Orphanet 140162, MedGen C0027672, MeSH D009386, MONDO:0015356.
Fanconi anemia (FA). Also called: Fanconi's anemia. Identifiers: Orphanet 84, MedGen C0015625, MeSH D005199, MONDO:0019391.

Allele frequency attached by ClinVar (database versions not stated): gnomAD exomes below 0.00001; TOPMed below 0.00001; gnomAD 0.00001.
gnomAD v4.1: 3 of 1,613,778 alleles (0.00019%); highest among the groups gnomAD compares: Non-Finnish European, 0.00025%; no homozygotes.

Submissions (2):

Labcorp Genetics (formerly Invitae), Labcorp
Classification: Uncertain significance for Fanconi anemia. Last evaluated: 2021-08-31. Review status: criteria provided, single submitter. Criteria: Invitae Variant Classification Sherloc (09022015). Collection method: clinical testing. Allele origin: germline.
Comment: This sequence change replaces threonine with alanine at codon 344 of the FANCC protein (p.Thr344Ala). The threonine residue is weakly conserved and there is a small physicochemical difference between threonine and alanine. This variant is not present in population databases (ExAC no frequency). This variant has not been reported in the literature in individuals affected with FANCC-related conditions. Algorithms developed to predict the effect of missense changes on protein structure and function output the following: SIFT: "Tolerated"; PolyPhen-2: "Benign"; Align-GVGD: "Class C0". The alanine amino acid residue is found in multiple mammalian species, which suggests that this missense change does not adversely affect protein function. In summary, the available evidence is currently insufficient to determine the role of this variant in disease. Therefore, it has been classified as a Variant of Uncertain Significance.

Ambry Genetics
Classification: Likely benign for Hereditary cancer-predisposing syndrome. Last evaluated: 2021-05-19. Review status: criteria provided, single submitter. Criteria: Ambry Variant Classification Scheme 2023. Collection method: clinical testing. Allele origin: germline.

NM_000136.3(FANCC):c.1030A>G (p.Thr344Ala)

Genes: FANCC (FA complementation group C; minus strand), AOPEP (aminopeptidase O (putative); plus strand). Cytogenetic location: 9q22.32.
Variant type: single nucleotide variant.
Coding change: c.1030A>G on transcript NM_000136.3 (MANE Select); coding-DNA position 1030, A replaced by G.
Protein change: p.Thr344Ala; replaces threonine 344 with alanine.
Molecular consequence: missense variant.
Genome position (GRCh38, 1-based): chr9:95,117,357, T>C on the plus strand (A>G on the coding strand, the complement: FANCC is on the minus strand). VCF-style: chr9-95117357-T-C. GRCh37 (hg19) VCF-style: chr9-97879639-T-C.
Other names: c.1030A>G, p.Thr344Ala (NM_001243743.2, NM_001243744.2); short protein forms T344A.
Identifiers: ClinVar variation 456149 (VCV000456149.8), dbSNP rs1228873579, ClinGen allele CA374108173.